The following is an entry in ClinVar:

NM_001845.6(COL4A1):c.3556G>A (p.Gly1186Ser)

Gene: COL4A1 (collagen type IV alpha 1 chain; minus strand). Cytogenetic location: 13q34.
Variant type: single nucleotide variant.
Coding change: c.3556G>A on transcript NM_001845.6 (MANE Select); coding-DNA position 3556, G replaced by A.
Protein change: p.Gly1186Ser; replaces glycine 1186 with serine.
Molecular consequence: missense variant.
Genome position (GRCh38, 1-based): chr13:110,172,720, C>T on the plus strand (G>A on the coding strand, the complement: COL4A1 is on the minus strand). VCF-style: chr13-110172720-C-T. GRCh37 (hg19) VCF-style: chr13-110825067-C-T.
Other names: c.3556G>A (NM_001845.4); short protein forms G1186S.
Identifiers: ClinVar variation 982414 (VCV000982414.7), dbSNP rs1877701802, ClinGen allele CA388663693.

ClinVar aggregate classification (germline): Pathogenic/Likely pathogenic. Review status: criteria provided, multiple submitters, no conflicts (2 of 4 stars). 3 submissions from 3 submitters: Pathogenic (1); Likely pathogenic (2). Last evaluated 2026-02-04.

Conditions:
Brain small vessel disease 1 with or without ocular anomalies (BSVD1). Also called: BRAIN SMALL VESSEL DISEASE WITH HEMORRHAGE; PORENCEPHALY, TYPE 1, AUTOSOMAL DOMINANT; GOULD SYNDROME 1; Brain small vessel disease with or without ocular anomalies. Identifiers: Orphanet 2940, Orphanet 36383, Orphanet 99810, MedGen C4755307, MONDO:0008289, OMIM 175780.
Microcephaly. Also called: Microcephaly (disease). Identifiers: MedGen C4551563, MONDO:0001149, HP:0000252.

Submissions (3):

GeneDx
Classification: Pathogenic. Last evaluated: 2026-02-04. Review status: criteria provided, single submitter. Criteria: GeneDx Variant Classification Process June 2021. Collection method: clinical testing. Allele origin: germline.
Comment: Not observed at significant frequency in large population cohorts (gnomAD); Affects a glycine residue in a Gly-X-Y motif in the triple helical region of the COL4A1 gene, where the majority of pathogenic missense variants occur, and is predicted to disrupt normal protein folding and function (HGMD; PMID: 22522439, 23225343); In silico analysis supports that this missense variant has a deleterious effect on protein structure/function; This variant is associated with the following publications: (PMID: 35568357, 36307859, 34930662, 10752524)

HudsonAlpha Institute for Biotechnology
Classification: Likely pathogenic for Brain small vessel disease 1 with or without ocular anomalies. Last evaluated: 2020-05-20. Review status: criteria provided, single submitter. Criteria: ACMG Guidelines, 2015. Collection method: research. Allele origin: de novo. Affected: yes. Observed: 1 variant allele. Study: CSER-SouthSeq.
Comment: ACMG codes:PS2; PM2; PP3

Department of Medical Genetics, Sanjay Gandhi Post Graduate Institute of Medical Sciences
Classification: Likely pathogenic for Microcephaly. Review status: criteria provided, single submitter. Criteria: ACMG Guidelines, 2015. Collection method: research. Allele origin: de novo. Inheritance: Autosomal dominant inheritance. Affected: yes. Observed: 1 heterozygote.
Comment: Analysis of the exome sequencing data showed a novel heterozygous sequence variant in COL4A1 gene. This variant is predicted as Disease Causing by MutationTaster. The variant is not found in ExAC and 1000G databases. Segregation analysis in parents confirms that variant is inherited in de novo pattern.